The following is an entry in ClinVar:

ClinVar aggregate classification (germline): Uncertain significance. Review status: criteria provided, multiple submitters, no conflicts (2 of 4 stars). 2 submissions from 2 submitters: Uncertain significance (2). Last evaluated 2025-06-23.

Allele frequency attached by ClinVar (database versions not stated): gnomAD 0.00001; ExAC 0.00002; gnomAD exomes 0.00001; TOPMed 0.00001.
gnomAD v4.1: 17 of 1,613,970 alleles (0.0011%); highest among the groups gnomAD compares: East Asian, 0.02%; no homozygotes.

Submissions (2):

Labcorp Genetics (formerly Invitae), Labcorp
Classification: Uncertain significance. Last evaluated: 2025-06-23. Review status: criteria provided, single submitter. Criteria: Invitae Variant Classification Sherloc (09022015). Collection method: clinical testing. Allele origin: germline.
Comment: This sequence change replaces leucine, which is neutral and non-polar, with phenylalanine, which is neutral and non-polar, at codon 54 of the NFE2L2 protein (p.Leu54Phe). This variant is present in population databases (rs572941555, gnomAD 0.04%). This variant has not been reported in the literature in individuals affected with NFE2L2-related conditions. ClinVar contains an entry for this variant (Variation ID: 2992507). An algorithm developed to predict the effect of missense changes on protein structure and function (PolyPhen-2) suggests that this variant is likely to be disruptive. In summary, the available evidence is currently insufficient to determine the role of this variant in disease. Therefore, it has been classified as a Variant of Uncertain Significance.

Ambry Genetics
Classification: Uncertain significance. Last evaluated: 2024-04-19. Review status: criteria provided, single submitter. Criteria: Ambry Variant Classification Scheme 2023. Collection method: clinical testing. Allele origin: germline.

NM_006164.5(NFE2L2):c.160C>T (p.Leu54Phe)

Gene: NFE2L2 (NFE2 like bZIP transcription factor 2; minus strand). Cytogenetic location: 2q31.2.
Variant type: single nucleotide variant.
Coding change: c.160C>T on transcript NM_006164.5 (MANE Select); coding-DNA position 160, C replaced by T.
Protein change: p.Leu54Phe; replaces leucine 54 with phenylalanine.
Molecular consequence: missense variant. On other transcripts: 5 prime UTR variant (1), intron variant (1).
Genome position (GRCh38, 1-based): chr2:177,234,157, G>A on the plus strand (C>T on the coding strand, the complement: NFE2L2 is on the minus strand). VCF-style: chr2-177234157-G-A. GRCh37 (hg19) VCF-style: chr2-178098885-G-A.
Other names: c.112C>T, p.Leu38Phe (NM_001145412.3, NM_001145413.3, NM_001313900.1 and 1 more transcripts); c.160C>T, p.Leu54Phe (NM_001313902.2); c.-70C>T (NM_001313904.1); c.93+67C>T (NM_001313903.2); c.160C>T (NM_006164.3); short protein forms L54F, L38F.
Identifiers: ClinVar variation 2992507 (VCV002992507.4), dbSNP rs572941555, ClinGen allele CA1979938.
Genomic context (GRCh38, chr2:177,234,157, plus strand): 5'-ACTGAGCGAAAAAGGCTTTCTCTTGCTCCTTTTGGAGTTGTTCTTGTCTTTCCTTTTCAA[G>A]TTTTTTCTGTTTTTCCAGCTCATACTCTTTCCGTCGCTGACTGAAGTCAAATACTTCTCG-3'
Protein context (NP_006155.2, residues 44-64): KEYELEKQKK[Leu54Phe]EKERQEQLQK